The following is an entry in ClinVar:

ClinVar aggregate classification (germline): Uncertain significance (1 of 4 stars; one submission).

Conditions:
Lipoic acid synthetase deficiency. Also called: HYPERGLYCINEMIA, LACTIC ACIDOSIS, AND SEIZURES. Identifiers: Orphanet 401859, MedGen C3280887, MONDO:0013762, OMIM 614462.

Allele frequency attached by ClinVar (database versions not stated): gnomAD exomes below 0.00001; gnomAD 0.00001.
gnomAD v4.1: 4 of 1,613,650 alleles (0.00025%); highest among the groups gnomAD compares: East Asian, 0.0045%; no homozygotes.

Submission:

Labcorp Genetics (formerly Invitae), Labcorp
Classification: Uncertain significance for Lipoic acid synthetase deficiency. Last evaluated: 2022-01-28. Review status: criteria provided, single submitter. Criteria: Invitae Variant Classification Sherloc (09022015). Collection method: clinical testing. Allele origin: germline.
Comment: This sequence change replaces alanine, which is neutral and non-polar, with valine, which is neutral and non-polar, at codon 9 of the LIAS protein (p.Ala9Val). This variant is not present in population databases (gnomAD no frequency). This variant has not been reported in the literature in individuals affected with LIAS-related conditions. Algorithms developed to predict the effect of missense changes on protein structure and function output the following: SIFT: "Tolerated"; PolyPhen-2: "Benign"; Align-GVGD: "Class C0". The valine amino acid residue is found in multiple mammalian species, which suggests that this missense change does not adversely affect protein function. In summary, the available evidence is currently insufficient to determine the role of this variant in disease. Therefore, it has been classified as a Variant of Uncertain Significance.

NM_006859.4(LIAS):c.26C>T (p.Ala9Val)

Genes: LIAS (lipoic acid synthetase; plus strand), LOC112939935 (Sharpr-MPRA regulatory region 11886; plus strand). Cytogenetic location: 4p14.
Variant type: single nucleotide variant.
Coding change: c.26C>T on transcript NM_006859.4 (MANE Select); coding-DNA position 26, C replaced by T.
Protein change: p.Ala9Val; replaces alanine 9 with valine.
Molecular consequence: missense variant.
Genome position (GRCh38, 1-based): chr4:39,459,143, C>T. VCF-style: chr4-39459143-C-T. GRCh37 (hg19) VCF-style: chr4-39460763-C-T.
Other names: c.26C>T, p.Ala9Val (NM_001278590.2, NM_001278591.2, NM_001278592.2 and 2 more transcripts); short protein forms A9V.
Identifiers: ClinVar variation 1933238 (VCV001933238.2), dbSNP rs1744295609, ClinGen allele CA356663503.
Genomic context (GRCh38, chr4:39,459,143, plus strand): 5'-CTCAACCCCTGCACTGCGCTAGTCCTAAAGAGGAAATGTCTCTACGCTGCGGGGATGCAG[C>T]CCGCACCCTGGGGCCCCGGGTGAGCGGCGGGGCGAACGGGTTTGGGCGTGGGGTGGGGGG-3'
Protein context (NP_006850.2, residues 1-19): MSLRCGDA[Ala9Val]RTLGPRVFGR